The following is an entry in ClinVar:

NM_004260.4(RECQL4):c.3169G>C (p.Gly1057Arg)

Gene: RECQL4 (RecQ like helicase 4; minus strand). Cytogenetic location: 8q24.3.
Variant type: single nucleotide variant.
Coding change: c.3169G>C on transcript NM_004260.4 (MANE Select); coding-DNA position 3169, G replaced by C.
Protein change: p.Gly1057Arg; replaces glycine 1057 with arginine.
Molecular consequence: missense variant. On other transcripts: non-coding transcript variant (3).
Genome position (GRCh38, 1-based): chr8:144,512,211, C>G on the plus strand (G>C on the coding strand, the complement: RECQL4 is on the minus strand). VCF-style: chr8-144512211-C-G. GRCh37 (hg19) VCF-style: chr8-145737594-C-G.
Other names: c.2875G>C, p.Gly959Arg (NM_001413017.1); c.2971G>C, p.Gly991Arg (NM_001413018.1); c.3244G>C, p.Gly1082Arg (NM_001413019.1); c.3073G>C, p.Gly1025Arg (NM_001413020.1); c.2098G>C, p.Gly700Arg (NM_001413021.1, NM_001413022.1, NM_001413024.1 and 4 more transcripts); c.2173G>C, p.Gly725Arg (NM_001413023.1); c.3040G>C, p.Gly1014Arg (NM_001413025.1); c.2032G>C, p.Gly678Arg (NM_001413027.1, NM_001413030.1, NM_001413032.1); and 9 more; short protein forms G1057R, G1082R, G634R, G1047R, G568R, G678R, G725R, G991R.
Identifiers: ClinVar variation 2918661 (VCV002918661.3), dbSNP rs2537978947, ClinGen allele CA372670095.
Genomic context (GRCh38, chr8:144,512,211, plus strand): 5'-AGGCCTGGAAGGTTCTGCGCAGACGGGCCAGGGCCTGGCGCTCCCGGGCCTGCACACGGC[C>G]ATAGAGGAAGTCACATATCTGGTCCTTCTCCTCAGCGGTCAAGTCCCCCGGGCTGCGAAG-3'
Protein context (NP_004251.4, residues 1047-1067): EKDQICDFLY[Gly1057Arg]RVQARERQAL

ClinVar aggregate classification (germline): Uncertain significance (1 of 4 stars; one submission).

Conditions:
Baller-Gerold syndrome (BGS). Also called: CRANIOSYNOSTOSIS WITH RADIAL DEFECTS. Identifiers: Orphanet 1225, MedGen C0265308, MONDO:0009039, OMIM 218600.

Submission:

Labcorp Genetics (formerly Invitae), Labcorp
Classification: Uncertain significance for Baller-Gerold syndrome. Last evaluated: 2023-05-09. Review status: criteria provided, single submitter. Criteria: Invitae Variant Classification Sherloc (09022015). Collection method: clinical testing. Allele origin: germline.
Comment: This variant is not present in population databases (gnomAD no frequency). In summary, the available evidence is currently insufficient to determine the role of this variant in disease. Therefore, it has been classified as a Variant of Uncertain Significance. Advanced modeling of protein sequence and biophysical properties (such as structural, functional, and spatial information, amino acid conservation, physicochemical variation, residue mobility, and thermodynamic stability) performed at Invitae indicates that this missense variant is not expected to disrupt RECQL4 protein function. This variant has not been reported in the literature in individuals affected with RECQL4-related conditions. This sequence change replaces glycine, which is neutral and non-polar, with arginine, which is basic and polar, at codon 1057 of the RECQL4 protein (p.Gly1057Arg).